The following is an entry in ClinVar:

NM_012193.4(FZD4):c.132C>G (p.Arg44=)

Gene: FZD4 (frizzled class receptor 4; minus strand). Cytogenetic location: 11q14.2.
Variant type: single nucleotide variant.
Coding change: c.132C>G on transcript NM_012193.4 (MANE Select); coding-DNA position 132, C replaced by G.
Protein change: p.Arg44=; no amino-acid change (arginine 44 retained).
Molecular consequence: synonymous variant.
Genome position (GRCh38, 1-based): chr11:86,954,954, G>C on the plus strand (C>G on the coding strand, the complement: FZD4 is on the minus strand). VCF-style: chr11-86954954-G-C. GRCh37 (hg19) VCF-style: chr11-86665996-G-C.
Identifiers: ClinVar variation 4993372 (VCV004993372.1).

ClinVar aggregate classification (germline): Likely benign (1 of 4 stars; one submission).

Conditions:
FZD4-related disorder. Also called: FZD4-related condition.

Submission:

PreventionGenetics, part of Exact Sciences
Classification: Likely benign for FZD4-related condition. Last evaluated: 2026-06-22. Review status: criteria provided, single submitter. Criteria: ACMG Guidelines, 2015. Collection method: clinical testing. Allele origin: germline.
Comment: This variant is classified as likely benign based on ACMG/AMP sequence variant interpretation guidelines (Richards et al. 2015 PMID: 25741868, with internal and published modifications).